The following is an entry in ClinVar:

ClinVar aggregate classification (germline): Likely benign. Review status: criteria provided, multiple submitters, no conflicts (2 of 4 stars). 2 submissions from 2 submitters: Likely benign (2). Last evaluated 2025-11-17.

Conditions:
POLD1-related polyposis and colorectal cancer syndrome (CRCS10). Also called: Colorectal cancer 10; COLORECTAL CANCER, SUSCEPTIBILITY TO, ON CHROMOSOME 19q; Colorectal cancer, susceptibility to, 10. Identifiers: Orphanet 220460, MedGen C2675481, MONDO:0012953, OMIM 612591.

Submissions (2):

Labcorp Genetics (formerly Invitae), Labcorp
Classification: Likely benign for POLD1-related polyposis and colorectal cancer syndrome. Last evaluated: 2025-11-17. Review status: criteria provided, single submitter. Criteria: Invitae Variant Classification Sherloc (09022015). Collection method: clinical testing. Allele origin: germline.

GeneDx
Classification: Likely benign. Last evaluated: 2016-08-01. Review status: criteria provided, single submitter. Criteria: GeneDx Variant Classification (06012015). Collection method: clinical testing. Allele origin: germline. Affected: yes.
Comment: This variant is considered likely benign or benign based on one or more of the following criteria: it is a conservative change, it occurs at a poorly conserved position in the protein, it is predicted to be benign by multiple in silico algorithms, and/or has population frequency not consistent with disease.

NM_002691.4(POLD1):c.203-6del

Gene: POLD1 (DNA polymerase delta 1, catalytic subunit; plus strand). Cytogenetic location: 19q13.33.
Variant type: Deletion.
Coding change: c.203-6del on transcript NM_002691.4 (MANE Select); 6 bases into the intron before coding-DNA position 203, one base deleted (C; older notation c.203-6delC).
Molecular consequence: intron variant.
Genome position (GRCh38, 1-based): chr19:50,399,365, C deleted; the last of 5 consecutive C bases (chr19:50,399,361-50,399,365); deleting any one gives the same sequence. VCF-style (leftmost placement, unchanged base first): chr19-50399360-TC-T. GRCh37 (hg19) VCF-style: chr19-50902617-TC-T.
Other names: c.203-6del (NM_001256849.1, NM_001308632.1); c.203-6delC (NM_002691.3).
Identifiers: ClinVar variation 421883 (VCV000421883.11), dbSNP rs753715469, ClinGen allele CA9595647.